The following is an entry in ClinVar:

NM_001351132.2(PEX5):c.37G>A (p.Gly13Ser)

Gene: PEX5 (peroxisomal biogenesis factor 5; plus strand). Cytogenetic location: 12p13.31.
Variant type: single nucleotide variant.
Coding change: c.37G>A on transcript NM_001351132.2 (MANE Select); coding-DNA position 37, G replaced by A.
Protein change: p.Gly13Ser; replaces glycine 13 with serine.
Molecular consequence: missense variant.
Genome position (GRCh38, 1-based): chr12:7,190,414, G>A. VCF-style: chr12-7190414-G-A. GRCh37 (hg19) VCF-style: chr12-7343010-G-A.
Other names: c.37G>A, p.Gly13Ser (NM_000319.5, NM_001131023.2, NM_001131024.2 and 22 more transcripts); short protein forms G13S.
Identifiers: ClinVar variation 2123881 (VCV002123881.2), dbSNP rs950881602, ClinGen allele CA232459844.

ClinVar aggregate classification (germline): Uncertain significance. Review status: criteria provided, multiple submitters, no conflicts (2 of 4 stars). 2 submissions from 2 submitters: Uncertain significance (2). Last evaluated 2022-05-23.

Conditions:
Inborn genetic diseases. Identifiers: MedGen C0950123, MeSH D030342.
Peroxisome biogenesis disorder 2B (PBD2B). Identifiers: Orphanet 44, MedGen C3550234, MONDO:0008736, OMIM 202370.

Allele frequency attached by ClinVar (database versions not stated): gnomAD exomes below 0.00001; TOPMed 0.00001; gnomAD 0.00002.
gnomAD v4.1: 10 of 1,614,090 alleles (0.00062%); highest among the groups gnomAD compares: African/African-American, 0.0027%; no homozygotes.

Submissions (2):

Labcorp Genetics (formerly Invitae), Labcorp
Classification: Uncertain significance for Peroxisome biogenesis disorder 2B. Last evaluated: 2022-05-23. Review status: criteria provided, single submitter. Criteria: Invitae Variant Classification Sherloc (09022015). Collection method: clinical testing. Allele origin: germline.
Comment: This sequence change replaces glycine, which is neutral and non-polar, with serine, which is neutral and polar, at codon 13 of the PEX5 protein (p.Gly13Ser). This variant is present in population databases (no rsID available, gnomAD 0.009%). This variant has not been reported in the literature in individuals affected with PEX5-related conditions. Algorithms developed to predict the effect of missense changes on protein structure and function are either unavailable or do not agree on the potential impact of this missense change (SIFT: "Tolerated"; PolyPhen-2: "Probably Damaging"; Align-GVGD: "Class C0"). In summary, the available evidence is currently insufficient to determine the role of this variant in disease. Therefore, it has been classified as a Variant of Uncertain Significance.

Ambry Genetics
Classification: Uncertain significance for Inborn genetic diseases. Last evaluated: 2022-02-10. Review status: criteria provided, single submitter. Criteria: Ambry Variant Classification Scheme 2023. Collection method: clinical testing. Allele origin: germline.